The following is an entry in ClinVar:

ClinVar aggregate classification (germline): Uncertain significance (1 of 4 stars; one submission).

Conditions:
Cardiovascular phenotype. Identifiers: MedGen CN230736.

gnomAD v4.1: 1 of 1,614,192 alleles (0.000062%); highest among the groups gnomAD compares: East Asian, 0.0022%; no homozygotes.

Submission:

Ambry Genetics
Classification: Uncertain significance for Cardiovascular phenotype. Last evaluated: 2022-11-20. Review status: criteria provided, single submitter. Criteria: Ambry Variant Classification Scheme 2023. Collection method: clinical testing. Allele origin: germline.
Comment: The p.D475E variant (also known as c.1425T>A), located in coding exon 4 of the BAG3 gene, results from a T to A substitution at nucleotide position 1425. The aspartic acid at codon 475 is replaced by glutamic acid, an amino acid with highly similar properties. This amino acid position is conserved. In addition, the in silico prediction for this alteration is inconclusive. Since supporting evidence is limited at this time, the clinical significance of this alteration remains unclear.

NM_004281.4(BAG3):c.1425T>A (p.Asp475Glu)

Gene: BAG3 (BAG cochaperone 3; plus strand). Cytogenetic location: 10q26.11.
Variant type: single nucleotide variant.
Coding change: c.1425T>A on transcript NM_004281.4 (MANE Select); coding-DNA position 1425, T replaced by A.
Protein change: p.Asp475Glu; replaces aspartic acid 475 with glutamic acid.
Molecular consequence: missense variant.
Genome position (GRCh38, 1-based): chr10:119,676,979, T>A. VCF-style: chr10-119676979-T-A. GRCh37 (hg19) VCF-style: chr10-121436491-T-A.
Other names: short protein forms D475E.
Identifiers: ClinVar variation 2489267 (VCV002489267.2), dbSNP rs376404396, ClinGen allele CA378297290.